The following is an entry in ClinVar:

ClinVar aggregate classification (germline): Uncertain significance (1 of 4 stars; one submission).

Conditions:
Norman-Roberts syndrome (LIS2). Also called: Lissencephaly 2 (Norman-Roberts type). Identifiers: Orphanet 89844, MedGen C0796089, MONDO:0009760, OMIM 257320.
Familial temporal lobe epilepsy 7. Identifiers: Orphanet 101046, MedGen C4225327, MONDO:0014639, OMIM 616436.

Allele frequency attached by ClinVar (database versions not stated): gnomAD exomes below 0.00001.
gnomAD v4.1: 2 of 1,614,004 alleles (0.00012%); highest among the groups gnomAD compares: African/African-American, 0.0013%; no homozygotes.

Submission:

Labcorp Genetics (formerly Invitae), Labcorp
Classification: Uncertain significance for Familial temporal lobe epilepsy 7; Norman-Roberts syndrome. Last evaluated: 2022-10-17. Review status: criteria provided, single submitter. Criteria: Invitae Variant Classification Sherloc (09022015). Collection method: clinical testing. Allele origin: germline.
Comment: Advanced modeling of protein sequence and biophysical properties (such as structural, functional, and spatial information, amino acid conservation, physicochemical variation, residue mobility, and thermodynamic stability) has been performed at Invitae for this missense variant, however the output from this modeling did not meet the statistical confidence thresholds required to predict the impact of this variant on RELN protein function. In summary, the available evidence is currently insufficient to determine the role of this variant in disease. Therefore, it has been classified as a Variant of Uncertain Significance. ClinVar contains an entry for this variant (Variation ID: 1418675). This sequence change replaces glycine, which is neutral and non-polar, with aspartic acid, which is acidic and polar, at codon 744 of the RELN protein (p.Gly744Asp). This variant is not present in population databases (gnomAD no frequency). This variant has not been reported in the literature in individuals affected with RELN-related conditions.

NM_005045.4(RELN):c.2231G>A (p.Gly744Asp)

Gene: RELN (reelin; minus strand). Cytogenetic location: 7q22.1.
Variant type: single nucleotide variant.
Coding change: c.2231G>A on transcript NM_005045.4 (MANE Select); coding-DNA position 2231, G replaced by A.
Protein change: p.Gly744Asp; replaces glycine 744 with aspartic acid.
Molecular consequence: missense variant.
Genome position (GRCh38, 1-based): chr7:103,636,307, C>T on the plus strand (G>A on the coding strand, the complement: RELN is on the minus strand). VCF-style: chr7-103636307-C-T. GRCh37 (hg19) VCF-style: chr7-103276754-C-T.
Other names: c.2231G>A, p.Gly744Asp (NM_173054.3); short protein forms G744D.
Identifiers: ClinVar variation 1418675 (VCV001418675.6), dbSNP rs1268141513, ClinGen allele CA368761752.
Genomic context (GRCh38, chr7:103,636,307, plus strand): 5'-CTGTCAAGGAAAGATGTAATTAGCTGACGCCGCCCATCTTTGTTGAAAACCAGGGCCTTA[C>T]CACTGGCCAAGACACCACAACCAAAGCTGACTTCAGCACCACGGATAGAGTAAAAGTTAT-3'
Protein context (NP_005036.2, residues 734-754): VSFGCGVLAS[Gly744Asp]KALVFNKDGR